The following is an entry in ClinVar:

NM_004937.3(CTNS):c.611ACG[1] (p.Asp205del)

Genes: CTNS (cystinosin, lysosomal cystine transporter; plus strand), CTNS-AS1 (CTNS antisense RNA 1; minus strand). Cytogenetic location: 17p13.2.
Variant type: Microsatellite.
Coding change: c.611ACG[1] on transcript NM_004937.3 (MANE Select); one copy of the 3-base unit ACG starting at c.611; the reference has two copies in a row; one copy, 3 bases deleted; also written c.614_616del.
Protein change: p.Asp205del; deletes aspartic acid 205.
Molecular consequence: inframe deletion.
Genome position (GRCh38, 1-based): chr17:3,656,728-3,656,730, ACG deleted; deleting any 3 consecutive bases within chr17:3,656,725-3,656,730 gives the same sequence; the position shown is the placement nearest the transcript's 3' end. VCF-style (leftmost placement, unchanged base first): chr17-3656724-AACG-A. GRCh37 (hg19) VCF-style: chr17-3560018-AACG-A.
Other names: c.611ACG[1], p.Asp205del (NM_001031681.3, NM_001374492.1); c.170ACG[1], p.Asp58del (NM_001374493.1, NM_001374494.1, NM_001374495.1 and 1 more transcripts); c.614_616del (NM_004937.3); short protein forms D205del, D58del.
Identifiers: ClinVar variation 188718 (VCV000188718.18), dbSNP rs760256854, ClinGen allele CA278466.

ClinVar aggregate classification (germline): Pathogenic/Likely pathogenic. Review status: criteria provided, multiple submitters, no conflicts (2 of 4 stars). 6 submissions from 6 submitters: Pathogenic (3); Likely pathogenic (1). 2 of the submissions do not count toward it. Last evaluated 2024-10-29.

Conditions:
Cystinosis. Also called: Cystine diathesis; Cystine storage disease; Cystinoses. Identifiers: Orphanet 213, MedGen C4316899, MONDO:0016239.
Ocular cystinosis. Also called: Non-Nephropathic Cystinosis; Non-Nephropathic (Ocular) Cystinosis. Identifiers: Orphanet 213, Orphanet 411641, MedGen C2931013, MONDO:0009064, OMIM 219750.
Inborn genetic diseases. Identifiers: MedGen C0950123, MeSH D030342.
Juvenile nephropathic cystinosis. Also called: Intermediate Cystinosis; CYSTINOSIS, LATE-ONSET JUVENILE OR ADOLESCENT NEPHROPATHIC TYPE; Later-Onset (Juvenile) Cystinosis. Identifiers: Orphanet 213, Orphanet 411634, MedGen C0268626, MONDO:0009066, OMIM 219900.
Nephropathic cystinosis (CTNS). Also called: Abderhalden Lignac Kaufmann disease; Abderhalden-Kaufmann-Lignac syndrome; CYSTINOSIN, DEFECT OF; LYSOSOMAL CYSTINE TRANSPORT PROTEIN, DEFECT OF. Identifiers: Orphanet 213, Orphanet 411629, MedGen C2931187, MONDO:0100151, OMIM 219800.

Submissions (6):

Labcorp Genetics (formerly Invitae), Labcorp
Classification: Pathogenic for Inborn genetic diseases; Ocular cystinosis; Juvenile nephropathic cystinosis. Last evaluated: 2024-10-29. Review status: criteria provided, single submitter. Criteria: Invitae Variant Classification Sherloc (09022015). Collection method: clinical testing. Allele origin: germline.
Comment: This variant, c.614_616del, results in the deletion of 1 amino acid(s) of the CTNS protein (p.Asp205del), but otherwise preserves the integrity of the reading frame. This variant is present in population databases (rs760256854, gnomAD 0.01%). This variant has been observed in individual(s) with cystinosis (PMID: 9792862, 10556299). In at least one individual the data is consistent with being in trans (on the opposite chromosome) from a pathogenic variant. ClinVar contains an entry for this variant (Variation ID: 188718). Algorithms developed to predict the effect of variants on gene product structure and function are not available or were not evaluated for this variant. Experimental studies have shown that this variant affects CTNS function (PMID: 15128704). This variant disrupts a region of the CTNS protein in which other variant(s) (p.Asp205Asn) have been determined to be pathogenic (PMID: 9792862, 22528245, 28983406). This suggests that this is a clinically significant region of the protein, and that variants that disrupt it are likely to be disease-causing. For these reasons, this variant has been classified as Pathogenic.

Baylor Genetics
Classification: Pathogenic for Nephropathic cystinosis. Last evaluated: 2024-01-23. Review status: criteria provided, single submitter. Criteria: ACMG Guidelines, 2015. Collection method: clinical testing. Allele origin: unknown.

Women's Health and Genetics/Laboratory Corporation of America, LabCorp
Classification: Pathogenic for Cystinosis. Last evaluated: 2022-04-25. Review status: criteria provided, single submitter. Criteria: LabCorp Variant Classification Summary - May 2015. Collection method: clinical testing. Allele origin: germline.
Comment: Variant summary: CTNS c.614_616delACG (p.Asp205del) results in an in-frame deletion that is predicted to remove one amino acid from the encoded protein. The variant allele was found at a frequency of 1.2e-05 in 251348 control chromosomes. c.614_616delACG has been reported in the literature in individuals affected with Cystinosis in homozygous and compound heterozygous states. These data indicate that the variant may be associated with disease. At least one publication reports experimental evidence evaluating an impact on protein function. The most pronounced variant effect results in <10% of normal activity. Two clinical diagnostic laboratories have submitted clinical-significance assessments for this variant to ClinVar after 2014 without evidence for independent evaluation. Both laboratories classified the variant as pathogenic. Based on the evidence outlined above, the variant was classified as pathogenic.

Juno Genomics, Hangzhou Juno Genomics, Inc
Classification: Likely pathogenic for Nephropathic cystinosis; Juvenile nephropathic cystinosis; Ocular cystinosis. Review status: criteria provided, single submitter. Criteria: ACMG Guidelines, 2015. Collection method: clinical testing. Allele origin: germline.
Comment: Absent from controls (or at extremely low frequency if recessive) in Genome Aggregation Database.;Protein length changes due to in-frame deletions/insertions in a non-repeat region or stop-loss variants.;For recessive disorders, detected in trans with a pathogenic variant.;Patient's phenotype or family history is highly specific for a disease with a single genetic etiology.

Counsyl
Classification: Likely pathogenic for Cystinosis. Last evaluated: 2014-03-12. Review status: no assertion criteria provided. Collection method: literature only. Allele origin: unknown. Inheritance: Autosomal recessive inheritance. Not counted in ClinVar's aggregate classification.

GeneReviews
No classification provided. Condition: Cystinosis. Review status: no classification provided. Collection method: literature only. Allele origin: germline. Affected: yes. Not counted in ClinVar's aggregate classification.

Literature cited by the submitters: PubMed 9792862 (cited by 3 submitters); PubMed 10556299 (cited by 3 submitters); PubMed 15128704 (cited by Labcorp Genetics (formerly Invitae), Labcorp and Counsyl); PubMed 22528245 (cited by Labcorp Genetics (formerly Invitae), Labcorp); PubMed 28983406 (cited by Labcorp Genetics (formerly Invitae), Labcorp); PubMed 12644911 (cited by Women's Health and Genetics/Laboratory Corporation of America, LabCorp and Counsyl); NCBI Bookshelf NBK1400 (cited by GeneReviews).